The following is an entry in ClinVar:

NC_000006.11:g.(?_66112361)_(66115270_?)dup

Gene: EYS (eyes shut homolog; minus strand). Cytogenetic location: 6q12.
Variant type: Duplication.
Identifiers: ClinVar variation 1066061 (VCV001066061.1).

ClinVar aggregate classification (germline): Likely pathogenic (1 of 4 stars; one submission).

Submission:

Labcorp Genetics (formerly Invitae), Labcorp
Classification: Likely pathogenic. Last evaluated: 2020-10-19. Review status: criteria provided, single submitter. Criteria: Invitae Variant Classification Sherloc (09022015). Collection method: clinical testing. Allele origin: germline.
Comment: This variant results in a copy number gain of the genomic region encompassing exon(s) 6-7 of the EYS gene. While the exact position of this variant cannot be determined from the data, sub-genic copy number gains are generally in tandem (PMID: 25640679). This variant is predicted to be out-of-frame, and may result in an absent or disrupted protein product. Loss-of-function variants in EYS are known to be pathogenic (PMID: 18836446, 20333770). This variant has not been reported in the literature in individuals with EYS-related conditions. In summary, the currently available evidence indicates that the variant is pathogenic, but additional data are needed to prove that conclusively. Therefore, this variant has been classified as Likely Pathogenic.

Literature cited by the submitters: PubMed 25640679; PubMed 18836446; PubMed 20333770.